The following is an entry in ClinVar:

NM_152618.3(BBS12):c.577C>A (p.Pro193Thr)

Gene: BBS12 (Bardet-Biedl syndrome 12; plus strand). Cytogenetic location: 4q27.
Variant type: single nucleotide variant.
Coding change: c.577C>A on transcript NM_152618.3 (MANE Select); coding-DNA position 577, C replaced by A.
Protein change: p.Pro193Thr; replaces proline 193 with threonine.
Molecular consequence: missense variant.
Genome position (GRCh38, 1-based): chr4:122,742,469, C>A. VCF-style: chr4-122742469-C-A. GRCh37 (hg19) VCF-style: chr4-123663624-C-A.
Other names: c.577C>A (NM_152618.2); c.577C>A, p.Pro193Thr (NM_001178007.2); short protein forms P193T.
Identifiers: ClinVar variation 1347187 (VCV001347187.4), dbSNP rs1246383248, ClinGen allele CA358223234.

ClinVar aggregate classification (germline): Uncertain significance. Review status: criteria provided, multiple submitters, no conflicts (2 of 4 stars). 2 submissions from 2 submitters: Uncertain significance (2). Last evaluated 2026-02-10.

Conditions:
Bardet-Biedl syndrome (BBS). Identifiers: Orphanet 110, MedGen C0752166, MONDO:0015229.
BBS12-related disorder. Also called: BBS12-related condition.

Allele frequency attached by ClinVar (database versions not stated): gnomAD exomes below 0.00001.
gnomAD v4.1: 4 of 1,614,078 alleles (0.00025%); highest among the groups gnomAD compares: East Asian, 0.0022%; no homozygotes.

Submissions (2):

PreventionGenetics, part of Exact Sciences
Classification: Uncertain significance for BBS12-related condition. Last evaluated: 2026-02-10. Review status: criteria provided, single submitter. Criteria: ACMG Guidelines, 2015. Collection method: clinical testing. Allele origin: germline.
Comment: The BBS12 c.577C>A variant is predicted to result in the amino acid substitution p.Pro193Thr. To our knowledge, this variant has not been reported in the literature. This variant is reported in 1 out of ~251,100 alleles in gnomAD. At this time, the clinical significance of this variant is uncertain due to the absence of conclusive functional and genetic evidence.

Labcorp Genetics (formerly Invitae), Labcorp
Classification: Uncertain significance for Bardet-Biedl syndrome. Last evaluated: 2022-03-03. Review status: criteria provided, single submitter. Criteria: Invitae Variant Classification Sherloc (09022015). Collection method: clinical testing. Allele origin: germline.
Comment: This sequence change replaces proline, which is neutral and non-polar, with threonine, which is neutral and polar, at codon 193 of the BBS12 protein (p.Pro193Thr). This variant is present in population databases (no rsID available, gnomAD no frequency). This variant has not been reported in the literature in individuals affected with BBS12-related conditions. Algorithms developed to predict the effect of missense changes on protein structure and function (SIFT, PolyPhen-2, Align-GVGD) all suggest that this variant is likely to be tolerated. In summary, the available evidence is currently insufficient to determine the role of this variant in disease. Therefore, it has been classified as a Variant of Uncertain Significance.